The following is an entry in ClinVar:

ClinVar aggregate classification (germline): Likely benign (1 of 4 stars; one submission).

Submission:

Dasa
Classification: Likely benign. Last evaluated: 2026-03-16. Review status: criteria provided, single submitter. Criteria: DASA Assertion Criteria. Collection method: clinical testing. Allele origin: germline.
Comment: NM_000135.4(FANCA):c.2014+9G>A is a splice-region variant. The variant context is inconsistent with a known disease-causing mechanism. Computational prediction algorithms are consistent with a benign effect. Therefore, based on the currently available evidence, this variant is classified as likely benign.

NM_000135.4(FANCA):c.2014+9G>A

Gene: FANCA (FA complementation group A; minus strand). Cytogenetic location: 16q24.3.
Variant type: single nucleotide variant.
Coding change: c.2014+9G>A on transcript NM_000135.4 (MANE Select); 9 bases into the intron after coding-DNA position 2014, G replaced by A.
Molecular consequence: intron variant.
Genome position (GRCh38, 1-based): chr16:89,773,262, C>T on the plus strand (G>A on the coding strand, the complement: FANCA is on the minus strand). VCF-style: chr16-89773262-C-T. GRCh37 (hg19) VCF-style: chr16-89839670-C-T.
Other names: c.2014+9G>A (NM_001286167.3).
Identifiers: ClinVar variation 4852729 (VCV004852729.2).